The following is an entry in ClinVar:

NM_182961.4(SYNE1):c.12289T>A (p.Cys4097Ser)

Gene: SYNE1 (spectrin repeat containing nuclear envelope protein 1; minus strand). Cytogenetic location: 6q25.2.
Variant type: single nucleotide variant.
Coding change: c.12289T>A on transcript NM_182961.4 (MANE Select); coding-DNA position 12289, T replaced by A.
Protein change: p.Cys4097Ser; replaces cysteine 4097 with serine.
Molecular consequence: missense variant.
Genome position (GRCh38, 1-based): chr6:152,339,303, A>T on the plus strand (T>A on the coding strand, the complement: SYNE1 is on the minus strand). VCF-style: chr6-152339303-A-T. GRCh37 (hg19) VCF-style: chr6-152660438-A-T.
Other names: c.12076T>A, p.Cys4026Ser (NM_033071.5); short protein forms C4026S, C4097S.
Identifiers: ClinVar variation 4881227 (VCV004881227.2).

ClinVar aggregate classification (germline): Uncertain significance (1 of 4 stars; one submission).

gnomAD v4.1: 1 of 1,614,104 alleles (0.000062%); highest among the groups gnomAD compares: East Asian, 0.0022%; no homozygotes.

Submission:

Dasa
Classification: Uncertain significance. Last evaluated: 2025-06-14. Review status: criteria provided, single submitter. Criteria: DASA Assertion Criteria. Collection method: clinical testing. Allele origin: germline.
Comment: NM_182961.4(SYNE1):c.12289T>A (p.Cys4097Ser) is a missense variant that results in the substitution of cysteine with serine. This variant is rare in population databases. The currently available literature and clinical evidence are not sufficient to establish a definitive association between this variant and the reported condition. Therefore, this variant is classified as a variant of uncertain significance.